The following is an entry in ClinVar:

ClinVar aggregate classification (germline): Benign/Likely benign. Review status: criteria provided, multiple submitters, no conflicts (2 of 4 stars). 3 submissions from 3 submitters: Benign (1); Likely benign (2). Last evaluated 2026-01-08.

Conditions:
EGF-related disorder. Also called: EGF-related condition.
Renal hypomagnesemia 4. Also called: HYPOMAGNESEMIA, RENAL, NORMOCALCIURIC. Identifiers: Orphanet 34527, MedGen C2673648, MONDO:0012717, OMIM 611718.

Allele frequency attached by ClinVar (database versions not stated): gnomAD 0.00008 and 0.00009; 1000 Genomes Project 30x 0.00016; 1000 Genomes Project 0.00020; TOPMed 0.00034.
gnomAD v4.1: 263 of 1,614,130 alleles (0.016%); highest among the groups gnomAD compares: Admixed American, 0.43%; 2 homozygotes.

Submissions (3):

Labcorp Genetics (formerly Invitae), Labcorp
Classification: Benign. Last evaluated: 2026-01-08. Review status: criteria provided, single submitter. Criteria: Invitae Variant Classification Sherloc (09022015). Collection method: clinical testing. Allele origin: germline.

PreventionGenetics, part of Exact Sciences
Classification: Likely benign for EGF-related condition. Last evaluated: 2024-10-23. Review status: criteria provided, single submitter. Criteria: ACMG Guidelines, 2015. Collection method: clinical testing. Allele origin: germline.
Comment: This variant is classified as likely benign based on ACMG/AMP sequence variant interpretation guidelines (Richards et al. 2015 PMID: 25741868, with internal and published modifications).

Fulgent Genetics
Classification: Likely benign for Renal hypomagnesemia 4. Last evaluated: 2022-05-12. Review status: criteria provided, single submitter. Criteria: ACMG Guidelines, 2015. Collection method: clinical testing. Allele origin: unknown.

NM_001963.6(EGF):c.720T>C (p.Ile240=)

Gene: EGF (epidermal growth factor; plus strand). Cytogenetic location: 4q25.
Variant type: single nucleotide variant.
Coding change: c.720T>C on transcript NM_001963.6 (MANE Select); coding-DNA position 720, T replaced by C.
Protein change: p.Ile240=; no amino-acid change (isoleucine 240 retained).
Molecular consequence: synonymous variant.
Genome position (GRCh38, 1-based): chr4:109,944,052, T>C. VCF-style: chr4-109944052-T-C. GRCh37 (hg19) VCF-style: chr4-110865208-T-C.
Other names: c.720T>C, p.Ile240= (NM_001178130.3, NM_001178131.3, NM_001357021.2).
Identifiers: ClinVar variation 718514 (VCV000718514.11), dbSNP rs200702456, ClinGen allele CA3043467.
Genomic context (GRCh38, chr4:109,944,052, plus strand): 5'-CAGAGAAGGAAGCAATTCTCTTATTTGCTCCTGTGATTATGATGGAGGTTCTGTCCACAT[T>C]AGTAAACATCCAACACAGTAAGTTTTACTCTTGGTATAAAATAAAACAATTGTCATTTGA-3'
Protein context (NP_001954.2, residues 230-250): SCDYDGGSVH[Ile240=]SKHPTQHNLF